The following is an entry in ClinVar:

ClinVar aggregate classification (germline): Uncertain significance (1 of 4 stars; one submission).

Allele frequency attached by ClinVar (database versions not stated): gnomAD 0.00001; gnomAD exomes 0.00001.
gnomAD v4.1: 8 of 1,613,904 alleles (0.0005%); highest among the groups gnomAD compares: East Asian, 0.011%; no homozygotes.

Submission:

Labcorp Genetics (formerly Invitae), Labcorp
Classification: Uncertain significance. Last evaluated: 2022-02-06. Review status: criteria provided, single submitter. Criteria: Invitae Variant Classification Sherloc (09022015). Collection method: clinical testing. Allele origin: germline.
Comment: In summary, the available evidence is currently insufficient to determine the role of this variant in disease. Therefore, it has been classified as a Variant of Uncertain Significance. Algorithms developed to predict the effect of missense changes on protein structure and function output the following: SIFT: "Tolerated"; PolyPhen-2: "Benign"; Align-GVGD: "Class C0". The glutamine amino acid residue is found in multiple mammalian species, which suggests that this missense change does not adversely affect protein function. This sequence change replaces arginine, which is basic and polar, with glutamine, which is neutral and polar, at codon 259 of the GTPBP3 protein (p.Arg259Gln). This variant is not present in population databases (gnomAD no frequency). This variant has not been reported in the literature in individuals affected with GTPBP3-related conditions.

NM_032620.4(GTPBP3):c.680G>A (p.Arg227Gln)

Gene: GTPBP3 (GTP binding protein 3, mitochondrial; plus strand). Cytogenetic location: 19p13.11.
Variant type: single nucleotide variant.
Coding change: c.680G>A on transcript NM_032620.4 (MANE Select); coding-DNA position 680, G replaced by A.
Protein change: p.Arg227Gln; replaces arginine 227 with glutamine.
Molecular consequence: missense variant.
Genome position (GRCh38, 1-based): chr19:17,339,138, G>A. VCF-style: chr19-17339138-G-A. GRCh37 (hg19) VCF-style: chr19-17449947-G-A.
Other names: c.680G>A, p.Arg227Gln (NM_001128855.3); c.746G>A, p.Arg249Gln (NM_001195422.1); c.776G>A, p.Arg259Gln (NM_133644.4); short protein forms R227Q, R259Q, R249Q.
Identifiers: ClinVar variation 1946997 (VCV001946997.3), dbSNP rs2074400586, ClinGen allele CA404736336.